The following is an entry in ClinVar:

ClinVar aggregate classification (germline): Uncertain significance (1 of 4 stars; one submission).

gnomAD v4.1: 70 of 1,613,618 alleles (0.0043%); highest among the groups gnomAD compares: African/African-American, 0.0027%; no homozygotes.

Submission:

GeneDx
Classification: Uncertain significance. Last evaluated: 2025-05-23. Review status: criteria provided, single submitter. Criteria: GeneDx Variant Classification Process June 2021. Collection method: clinical testing. Allele origin: germline. Affected: yes.
Comment: In silico analysis suggests that this missense variant does not alter protein structure/function; Has not been previously published as pathogenic or benign to our knowledge; This variant is associated with the following publications: (PMID: 23516486)

NM_001162498.3(LPAR6):c.133G>A (p.Val45Ile)

Genes: LPAR6 (lysophosphatidic acid receptor 6; minus strand), RB1 (RB transcriptional corepressor 1; plus strand). Cytogenetic location: 13q14.2.
Variant type: single nucleotide variant.
Coding change: c.133G>A on transcript NM_001162498.3 (MANE Select); coding-DNA position 133, G replaced by A.
Protein change: p.Val45Ile; replaces valine 45 with isoleucine.
Molecular consequence: missense variant. On other transcripts: intron variant (2).
Genome position (GRCh38, 1-based): chr13:48,412,291, C>T on the plus strand (G>A on the coding strand, the complement: LPAR6 is on the minus strand). VCF-style: chr13-48412291-C-T. GRCh37 (hg19) VCF-style: chr13-48986427-C-T.
Other names: c.133G>A, p.Val45Ile (NM_001162497.3, NM_001377316.2, NM_001377317.2 and 1 more transcripts); c.1695+30848C>T (NM_001407165.1, NM_000321.3); short protein forms V45I.
Identifiers: ClinVar variation 4530797 (VCV004530797.1).